The following is an entry in ClinVar:

ClinVar aggregate classification (germline): Uncertain significance (1 of 4 stars; one submission).

Conditions:
Ehlers-Danlos syndrome, type 4 (EDSVASC). Also called: Ehlers-Danlos syndrome vascular type; Ehlers Danlos syndrome, ecchymotic type; Ehlers Danlos syndrome, arterial type; Ehlers Danlos syndrome, Sack-Barabas type; Ehlers-Danlos Syndrome Type IV. Identifiers: Orphanet 286, MedGen C0268338, MONDO:0017314, OMIM 130050.

Submission:

Labcorp Genetics (formerly Invitae), Labcorp
Classification: Uncertain significance for Ehlers-Danlos syndrome, type 4. Last evaluated: 2024-02-17. Review status: criteria provided, single submitter. Criteria: Invitae Variant Classification Sherloc (09022015). Collection method: clinical testing. Allele origin: germline.
Comment: This sequence change replaces serine, which is neutral and polar, with cysteine, which is neutral and slightly polar, at codon 1081 of the COL3A1 protein (p.Ser1081Cys). This variant is not present in population databases (gnomAD no frequency). This variant has not been reported in the literature in individuals affected with COL3A1-related conditions. Advanced modeling of protein sequence and biophysical properties (such as structural, functional, and spatial information, amino acid conservation, physicochemical variation, residue mobility, and thermodynamic stability) performed at Invitae indicates that this missense variant is not expected to disrupt COL3A1 protein function with a negative predictive value of 95%. In summary, the available evidence is currently insufficient to determine the role of this variant in disease. Therefore, it has been classified as a Variant of Uncertain Significance.

NM_000090.4(COL3A1):c.3242C>G (p.Ser1081Cys)

Gene: COL3A1 (collagen type III alpha 1 chain; plus strand). Cytogenetic location: 2q32.2.
Variant type: single nucleotide variant.
Coding change: c.3242C>G on transcript NM_000090.4 (MANE Select); coding-DNA position 3242, C replaced by G.
Protein change: p.Ser1081Cys; replaces serine 1081 with cysteine.
Molecular consequence: missense variant.
Genome position (GRCh38, 1-based): chr2:189,006,977, C>G. VCF-style: chr2-189006977-C-G. GRCh37 (hg19) VCF-style: chr2-189871703-C-G.
Other names: short protein forms S1081C.
Identifiers: ClinVar variation 3634105 (VCV003634105.2).
Genomic context (GRCh38, chr2:189,006,977, plus strand): 5'-ATTGAATGTTTTCATCTTAGGGCCCTGCTGGCCCTGCTGGTGCTCCCGGTCCTGCTGGTT[C>G]CCGAGGTGCTCCTGTAAGTTTTGTCATTTTTTGGTTTTATTTTGTTTTGTTCTTTTTTTA-3'
Protein context (NP_000081.2, residues 1071-1091): GPAGAPGPAG[Ser1081Cys]RGAPGPQGPR